The following is an entry in ClinVar:

NM_130468.4(CHST14):c.10C>T (p.Arg4Cys)

Genes: CHST14 (carbohydrate sulfotransferase 14; plus strand), LOC130056851 (ATAC-STARR-seq lymphoblastoid silent region 6336; plus strand). Cytogenetic location: 15q15.1.
Variant type: single nucleotide variant.
Coding change: c.10C>T on transcript NM_130468.4 (MANE Select); coding-DNA position 10, C replaced by T.
Protein change: p.Arg4Cys; replaces arginine 4 with cysteine.
Molecular consequence: missense variant.
Genome position (GRCh38, 1-based): chr15:40,471,223, C>T. VCF-style: chr15-40471223-C-T. GRCh37 (hg19) VCF-style: chr15-40763422-C-T.
Other names: short protein forms R4C.
Identifiers: ClinVar variation 2451983 (VCV002451983.2), dbSNP rs1272942478, ClinGen allele CA391761763.

ClinVar aggregate classification (germline): Uncertain significance (1 of 4 stars; one submission).

Conditions:
Cardiovascular phenotype. Identifiers: MedGen CN230736.

Submission:

Ambry Genetics
Classification: Uncertain significance for Cardiovascular phenotype. Last evaluated: 2023-01-25. Review status: criteria provided, single submitter. Criteria: Ambry Variant Classification Scheme 2023. Collection method: clinical testing. Allele origin: germline.
Comment: The p.R4C variant (also known as c.10C>T), located in coding exon 1 of the CHST14 gene, results from a C to T substitution at nucleotide position 10. The arginine at codon 4 is replaced by cysteine, an amino acid with highly dissimilar properties. This amino acid position is conserved. In addition, the in silico prediction for this alteration is inconclusive. Since supporting evidence is limited at this time, the clinical significance of this alteration remains unclear.